The following is an entry in ClinVar:

NM_000548.5(TSC2):c.1759T>C (p.Tyr587His)

Gene: TSC2 (TSC complex subunit 2; plus strand). Cytogenetic location: 16p13.3.
Variant type: single nucleotide variant.
Coding change: c.1759T>C on transcript NM_000548.5 (MANE Select); coding-DNA position 1759, T replaced by C.
Protein change: p.Tyr587His; replaces tyrosine 587 with histidine.
Molecular consequence: missense variant.
Genome position (GRCh38, 1-based): chr16:2,070,498, T>C. VCF-style: chr16-2070498-T-C. GRCh37 (hg19) VCF-style: chr16-2120499-T-C.
Other names: c.1759T>C, p.Tyr587His (NM_001077183.3, NM_001114382.3, NM_001363528.2 and 3 more transcripts); c.1648T>C, p.Tyr550His (NM_001318827.2); c.1612T>C, p.Tyr538His (NM_001318829.2); c.1159T>C, p.Tyr387His (NM_001318831.2); c.1792T>C, p.Tyr598His (NM_001318832.2); short protein forms Y587H, Y538H, Y598H, Y387H, Y550H.
Identifiers: ClinVar variation 535882 (VCV000535882.17), dbSNP rs1555505094, ClinGen allele CA394272833.

ClinVar aggregate classification (germline): Conflicting classifications of pathogenicity. Review status: criteria provided, conflicting classifications (1 of 4 stars). 3 submissions from 3 submitters: Uncertain significance (2); Benign (1). Last evaluated 2026-07-09.

Conditions:
Tuberous sclerosis syndrome (TSC). Also called: Tuberous Sclerosis Complex; Tuberous sclerosis. Identifiers: Orphanet 805, MedGen C0041341, MONDO:0001734.
Tuberous sclerosis 2 (TSC2). Identifiers: Orphanet 805, MedGen C1860707, MONDO:0013199, OMIM 613254.
Hereditary cancer-predisposing syndrome. Also called: Hereditary Cancer Syndrome; Tumor predisposition; Hereditary neoplastic syndrome; Neoplastic Syndromes, Hereditary. Identifiers: Orphanet 140162, MedGen C0027672, MeSH D009386, MONDO:0015356.

Allele frequency attached by ClinVar (database versions not stated): gnomAD exomes below 0.00001.
gnomAD v4.1: 2 of 1,613,436 alleles (0.00012%); highest among the groups gnomAD compares: Non-Finnish European, 0.00017%; no homozygotes.

Submissions (3):

Ambry Genetics
Classification: Uncertain significance for Hereditary cancer-predisposing syndrome. Last evaluated: 2026-07-09. Review status: criteria provided, single submitter. Criteria: Ambry Variant Classification Scheme 2023. Collection method: clinical testing. Allele origin: germline.
Comment: The p.Y587H variant (also known as c.1759T>C), located in coding exon 16 of the TSC2 gene, results from a T to C substitution at nucleotide position 1759. The tyrosine at codon 587 is replaced by histidine, an amino acid with similar properties. This amino acid position is highly conserved in available vertebrate species. In addition, this alteration is predicted to be deleterious by in silico analysis. Based on the available evidence, the clinical significance of this variant remains unclear.

Labcorp Genetics (formerly Invitae), Labcorp
Classification: Benign for Tuberous sclerosis 2. Last evaluated: 2025-07-31. Review status: criteria provided, single submitter. Criteria: Invitae Variant Classification Sherloc (09022015). Collection method: clinical testing. Allele origin: germline.

All of Us Research Program, National Institutes of Health
Classification: Uncertain significance for Tuberous sclerosis syndrome. Last evaluated: 2024-07-20. Review status: criteria provided, single submitter. Criteria: ACMG Guidelines, 2015. Collection method: clinical testing. Allele origin: germline. Inheritance: Autosomal dominant inheritance. Observed: 4 variant alleles, 4 heterozygotes.
Comment: This missense variant replaces tyrosine with histidine at codon 587 of the TSC2 protein. Computational prediction suggests that this variant may have deleterious impact on protein structure and function (internally defined REVEL score threshold >= 0.7, PMID: 27666373). To our knowledge, functional studies have not been reported for this variant. This variant has not been reported in individuals affected with tuberous sclerosis complex in the literature. This variant has not been identified in the general population by the Genome Aggregation Database (gnomAD). The available evidence is insufficient to determine the role of this variant in disease conclusively. Therefore, this variant is classified as a Variant of Uncertain Significance.

This study involves interpretation of variants in research participants for the purpose of population health screening. Participant phenotype was not available at the time of variant classification. Additional details can be found in publication PMID: 35346344, PMCID: PMC8962531